The following is an entry in ClinVar:

NM_001130144.3(LTBP3):c.3602C>T (p.Pro1201Leu)

Gene: LTBP3 (latent transforming growth factor beta binding protein 3; minus strand). Cytogenetic location: 11q13.1.
Variant type: single nucleotide variant.
Coding change: c.3602C>T on transcript NM_001130144.3 (MANE Select); coding-DNA position 3602, C replaced by T.
Protein change: p.Pro1201Leu; replaces proline 1201 with leucine.
Molecular consequence: missense variant.
Genome position (GRCh38, 1-based): chr11:65,539,574, G>A on the plus strand (C>T on the coding strand, the complement: LTBP3 is on the minus strand). VCF-style: chr11-65539574-G-A. GRCh37 (hg19) VCF-style: chr11-65307045-G-A.
Other names: c.3110C>T, p.Pro1037Leu (NM_001164266.1); c.3461C>T, p.Pro1154Leu (NM_021070.4); short protein forms P1037L, P1154L, P1201L.
Identifiers: ClinVar variation 2906187 (VCV002906187.3), dbSNP rs776191227, ClinGen allele CA6100232.

ClinVar aggregate classification (germline): Uncertain significance (1 of 4 stars; one submission).

Conditions:
Brachyolmia-amelogenesis imperfecta syndrome. Also called: PLATYSPONDYLY WITH AMELOGENESIS IMPERFECTA; Tooth agenesis, selective, 6; Dental anomalies and short stature. Identifiers: Orphanet 2899, MedGen C1832594, MONDO:0011018, OMIM 601216. Disease mechanism: loss of function.

Allele frequency attached by ClinVar (database versions not stated): gnomAD exomes below 0.00001; TOPMed below 0.00001; gnomAD 0.00001.
gnomAD v4.1: 3 of 1,612,658 alleles (0.00019%); highest among the groups gnomAD compares: Middle Eastern, 0.016%; no homozygotes.

Submission:

Labcorp Genetics (formerly Invitae), Labcorp
Classification: Uncertain significance for Brachyolmia-amelogenesis imperfecta syndrome. Last evaluated: 2024-09-21. Review status: criteria provided, single submitter. Criteria: Invitae Variant Classification Sherloc (09022015). Collection method: clinical testing. Allele origin: germline.
Comment: This sequence change replaces proline, which is neutral and non-polar, with leucine, which is neutral and non-polar, at codon 1201 of the LTBP3 protein (p.Pro1201Leu). This variant is not present in population databases (gnomAD no frequency). This variant has not been reported in the literature in individuals affected with LTBP3-related conditions. An algorithm developed to predict the effect of missense changes on protein structure and function (PolyPhen-2) suggests that this variant is likely to be disruptive. In summary, the available evidence is currently insufficient to determine the role of this variant in disease. Therefore, it has been classified as a Variant of Uncertain Significance.